The following is an entry in ClinVar:

NM_017780.4(CHD7):c.7269G>C (p.Met2423Ile)

Gene: CHD7 (chromodomain helicase DNA binding protein 7; plus strand). Cytogenetic location: 8q12.2.
Variant type: single nucleotide variant.
Coding change: c.7269G>C on transcript NM_017780.4 (MANE Select); coding-DNA position 7269, G replaced by C.
Protein change: p.Met2423Ile; replaces methionine 2423 with isoleucine.
Molecular consequence: missense variant. On other transcripts: intron variant (1).
Genome position (GRCh38, 1-based): chr8:60,856,549, G>C. VCF-style: chr8-60856549-G-C. GRCh37 (hg19) VCF-style: chr8-61769108-G-C.
Other names: c.1717-5680G>C (NM_001316690.1); short protein forms M2423I.
Identifiers: ClinVar variation 4739553 (VCV004739553.1).

ClinVar aggregate classification (germline): Uncertain significance (1 of 4 stars; one submission).

Conditions:
CHARGE syndrome (CHARGE). Also called: Hittner Hirsch Kreh syndrome; CHARGE ASSOCIATION--COLOBOMA, HEART ANOMALY, CHOANAL ATRESIA, RETARDATION, GENITAL AND EAR ANOMALIES; Coloboma, heart anomaly, choanal atresia, retardation, genital and ear anomalies; CHARGE association; Hall-Hittner syndrome. Identifiers: Orphanet 138, MedGen C0265354, MONDO:0008965.

Submission:

Labcorp Genetics (formerly Invitae), Labcorp
Classification: Uncertain significance for CHARGE syndrome. Last evaluated: 2025-11-19. Review status: criteria provided, single submitter. Criteria: Invitae Variant Classification Sherloc (09022015). Collection method: clinical testing. Allele origin: germline.
Comment: This sequence change replaces methionine, which is neutral and non-polar, with isoleucine, which is neutral and non-polar, at codon 2423 of the CHD7 protein (p.Met2423Ile). This variant is not present in population databases (gnomAD no frequency). This variant has not been reported in the literature in individuals affected with CHD7-related conditions. Invitae Evidence Modeling of protein sequence and biophysical properties (such as structural, functional, and spatial information, amino acid conservation, physicochemical variation, residue mobility, and thermodynamic stability) indicates that this missense variant is not expected to disrupt CHD7 protein function with a negative predictive value of 80%. In summary, the available evidence is currently insufficient to determine the role of this variant in disease. Therefore, it has been classified as a Variant of Uncertain Significance.